The following is an entry in ClinVar:

ClinVar aggregate classification (germline): Uncertain significance. Review status: criteria provided, multiple submitters, no conflicts (2 of 4 stars). 3 submissions from 3 submitters: Uncertain significance (3). Last evaluated 2026-05-11.

Conditions:
C3-related disorder. Also called: C3-related condition.

Allele frequency attached by ClinVar (database versions not stated): gnomAD exomes 0.00018 and 0.00002; ExAC 0.00002; gnomAD 0.00002; TOPMed 0.00003; ESP Exome Variant Server 0.00008.

Submissions (3):

PreventionGenetics, part of Exact Sciences
Classification: Uncertain significance for C3-related condition. Last evaluated: 2026-05-11. Review status: criteria provided, single submitter. Criteria: ACMG Guidelines, 2015. Collection method: clinical testing. Allele origin: germline.
Comment: The C3 c.623C>T variant is predicted to result in the amino acid substitution p.Ala208Val. To our knowledge, this variant has not been reported in the literature. This variant is reported in 0.0054% of alleles in individuals of European (Non-Finnish) descent in gnomAD. At this time, the clinical significance of this variant is uncertain due to the absence of conclusive functional and genetic evidence.

Labcorp Genetics (formerly Invitae), Labcorp
Classification: Uncertain significance. Last evaluated: 2025-11-23. Review status: criteria provided, single submitter. Criteria: Invitae Variant Classification Sherloc (09022015). Collection method: clinical testing. Allele origin: germline.
Comment: This sequence change replaces alanine, which is neutral and non-polar, with valine, which is neutral and non-polar, at codon 208 of the C3 protein (p.Ala208Val). This variant is present in population databases (rs375392109, gnomAD 0.006%). This variant has not been reported in the literature in individuals affected with C3-related conditions. ClinVar contains an entry for this variant (Variation ID: 1439385). Invitae Evidence Modeling of protein sequence and biophysical properties (such as structural, functional, and spatial information, amino acid conservation, physicochemical variation, residue mobility, and thermodynamic stability) indicates that this missense variant is not expected to disrupt C3 protein function with a negative predictive value of 80%. In summary, the available evidence is currently insufficient to determine the role of this variant in disease. Therefore, it has been classified as a Variant of Uncertain Significance.

Women's Health and Genetics/Laboratory Corporation of America, LabCorp
Classification: Uncertain significance. Last evaluated: 2024-12-03. Review status: criteria provided, single submitter. Criteria: LabCorp Variant Classification Summary - May 2015. Collection method: clinical testing. Allele origin: germline.
Comment: Variant summary: C3 c.623C>T (p.Ala208Val) results in a non-conservative amino acid change in the encoded protein sequence. Four of five in-silico tools predict a benign effect of the variant on protein function. The variant allele was found at a frequency of 2.4e-05 in 251278 control chromosomes. The available data on variant occurrences in the general population are insufficient to allow any conclusion about variant significance. To our knowledge, no occurrence of c.623C>T in individuals affected with Age-Related Macular Degeneration and no experimental evidence demonstrating its impact on protein function have been reported. ClinVar contains an entry for this variant (Variation ID: 1439385). Based on the evidence outlined above, the variant was classified as uncertain significance.

NM_000064.4(C3):c.623C>T (p.Ala208Val)

Gene: C3 (complement C3; minus strand). Cytogenetic location: 19p13.3.
Variant type: single nucleotide variant.
Coding change: c.623C>T on transcript NM_000064.4 (MANE Select); coding-DNA position 623, C replaced by T.
Protein change: p.Ala208Val; replaces alanine 208 with valine.
Molecular consequence: missense variant.
Genome position (GRCh38, 1-based): chr19:6,714,225, G>A on the plus strand (C>T on the coding strand, the complement: C3 is on the minus strand). VCF-style: chr19-6714225-G-A. GRCh37 (hg19) VCF-style: chr19-6714236-G-A.
Other names: c.623C>T (NM_000064.3); short protein forms A208V.
Identifiers: ClinVar variation 1439385 (VCV001439385.10), dbSNP rs375392109, ClinGen allele CA9129746.